The following is an entry in ClinVar:

ClinVar aggregate classification (germline): Benign. Review status: criteria provided, multiple submitters, no conflicts (2 of 4 stars). 2 submissions from 2 submitters: Benign (2). Last evaluated 2025-01-17.

Conditions:
Familial sleep-related hypermotor epilepsy. Also called: Autosomal Dominant Sleep-Related Hypermotor (Hyperkinetic) Epilepsy. Identifiers: Orphanet 98784, MedGen C3696898, MONDO:0000030.

Allele frequency attached by ClinVar (database versions not stated): TOPMed 0.00017; 1000 Genomes Project 0.00080; gnomAD 0.00005 and 0.00008; gnomAD exomes 0.00016 and 0.00007; 1000 Genomes Project 30x 0.00062; ExAC 0.00014.
gnomAD v4.1: 106 of 1,614,038 alleles (0.0066%); highest among the groups gnomAD compares: East Asian, 0.18%; 1 homozygote.

Submissions (2):

Labcorp Genetics (formerly Invitae), Labcorp
Classification: Benign. Last evaluated: 2025-01-17. Review status: criteria provided, single submitter. Criteria: Invitae Variant Classification Sherloc (09022015). Collection method: clinical testing. Allele origin: germline.

GeneDx
Classification: Benign. Last evaluated: 2015-09-15. Review status: criteria provided, single submitter. Criteria: GeneDx Variant Classification (06012015). Collection method: clinical testing. Allele origin: germline. Affected: yes.
Comment: This variant is considered likely benign or benign based on one or more of the following criteria: it is a conservative change, it occurs at a poorly conserved position in the protein, it is predicted to be benign by multiple in silico algorithms, and/or has population frequency not consistent with disease.

NM_000748.3(CHRNB2):c.1339-16C>T

Gene: CHRNB2 (cholinergic receptor nicotinic beta 2 subunit; plus strand). Cytogenetic location: 1q21.3.
Variant type: single nucleotide variant.
Coding change: c.1339-16C>T on transcript NM_000748.3 (MANE Select); 16 bases into the intron before coding-DNA position 1339, C replaced by T.
Molecular consequence: intron variant.
Genome position (GRCh38, 1-based): chr1:154,575,746, C>T. VCF-style: chr1-154575746-C-T. GRCh37 (hg19) VCF-style: chr1-154548222-C-T.
Identifiers: ClinVar variation 377682 (VCV000377682.10), dbSNP rs117167810, ClinGen allele CA1130852.